The following is an entry in ClinVar:

NM_000937.5(POLR2A):c.3144G>A (p.Thr1048=)

Gene: POLR2A (RNA polymerase II subunit A; plus strand). Cytogenetic location: 17p13.1.
Variant type: single nucleotide variant.
Coding change: c.3144G>A on transcript NM_000937.5 (MANE Select); coding-DNA position 3144, G replaced by A.
Protein change: p.Thr1048=; no amino-acid change (threonine 1048 retained).
Molecular consequence: synonymous variant.
Genome position (GRCh38, 1-based): chr17:7,503,695, G>A. VCF-style: chr17-7503695-G-A. GRCh37 (hg19) VCF-style: chr17-7407014-G-A.
Identifiers: ClinVar variation 3026072 (VCV003026072.22), dbSNP rs1049170821, ClinGen allele CA287418361.

ClinVar aggregate classification (germline): Likely benign (1 of 4 stars; one submission).

Allele frequency attached by ClinVar (database versions not stated): gnomAD 0.00002; gnomAD exomes 0.00002.

Submission:

CeGaT Center for Human Genetics Tuebingen
Classification: Likely benign. Last evaluated: 2024-01-01. Review status: criteria provided, single submitter. Criteria: CeGaT Center For Human Genetics Tuebingen Variant Classification Criteria Version 2. Collection method: clinical testing. Allele origin: germline. Affected: yes. Observed: 1 variant allele.
Comment: POLR2A: BP4, BP7